The following is an entry in ClinVar:

NM_001267550.2(TTN):c.9656C>A (p.Thr3219Asn)

Gene: TTN (titin; minus strand). Cytogenetic location: 2q31.2.
Variant type: single nucleotide variant.
Coding change: c.9656C>A on transcript NM_001267550.2 (MANE Select); coding-DNA position 9656, C replaced by A.
Protein change: p.Thr3219Asn; replaces threonine 3219 with asparagine.
Molecular consequence: missense variant.
Genome position (GRCh38, 1-based): chr2:178,766,428, G>T on the plus strand (C>A on the coding strand, the complement: TTN is on the minus strand). VCF-style: chr2-178766428-G-T. GRCh37 (hg19) VCF-style: chr2-179631155-G-T.
Other names: c.9656C>A, p.Thr3219Asn (NM_001256850.1, NM_133378.4, NM_133379.5); c.9518C>A, p.Thr3173Asn (NM_003319.4, NM_133432.3, NM_133437.4); short protein forms T3219N, T3173N.
Identifiers: ClinVar variation 598548 (VCV000598548.11), dbSNP rs1385851793, ClinGen allele CA349674676.

ClinVar aggregate classification (germline): Uncertain significance. Review status: criteria provided, multiple submitters, no conflicts (2 of 4 stars). 4 submissions from 4 submitters: Uncertain significance (4). Last evaluated 2022-04-02.

Conditions:
Hypertrophic cardiomyopathy 9. Also called: Familial hypertrophic cardiomyopathy 9. Identifiers: MedGen C1861065, MONDO:0013412, OMIM 613765.
Autosomal recessive limb-girdle muscular dystrophy type 2J (LGMDR10). Also called: Limb-girdle muscular dystrophy, type 2J; MUSCULAR DYSTROPHY, LIMB-GIRDLE, AUTOSOMAL RECESSIVE 10. Identifiers: Orphanet 140922, MedGen C1837342, MONDO:0012127, OMIM 608807.
Dilated cardiomyopathy 1G (CMD1G). Identifiers: Orphanet 154, MedGen C1858763, MONDO:0011400, OMIM 604145.
Tibial muscular dystrophy (TMD). Also called: Tibial muscular dystrophy, tardive; Udd Distal Myopathy – Tibial Muscular Dystrophy; UDD MYOPATHY. Identifiers: Orphanet 609, MedGen C1838244, MONDO:0010870, OMIM 600334.
Myopathy, myofibrillar, 9, with early respiratory failure (MFM9). Also called: Hereditary myopathy with early respiratory failure; Myopathy, distal, with early respiratory failure, autosomal dominant; EDSTROM MYOPATHY; MYOPATHY, PROXIMAL, WITH EARLY RESPIRATORY MUSCLE INVOLVEMENT. Identifiers: Orphanet 178464, Orphanet 34521, MedGen C1863599, MONDO:0011362, OMIM 603689.
Early-onset myopathy with fatal cardiomyopathy (CMYO5). Also called: Salih Myopathy; CONGENITAL MYOPATHY 5 WITH CARDIOMYOPATHY. Identifiers: Orphanet 289377, MedGen C2673677, MONDO:0012714, OMIM 611705. Disease mechanism: loss of function.

Allele frequency attached by ClinVar (database versions not stated): TOPMed 0.00001; gnomAD 0.00002; gnomAD exomes 0.00003.

Submissions (4):

Revvity Omics, Revvity
Classification: Uncertain significance. Last evaluated: 2022-04-02. Review status: criteria provided, single submitter. Criteria: ACMG Guidelines, 2015. Collection method: clinical testing. Allele origin: germline.

Fulgent Genetics
Classification: Uncertain significance for Tibial muscular dystrophy; Myopathy, myofibrillar, 9, with early respiratory failure; Dilated cardiomyopathy 1G; Autosomal recessive limb-girdle muscular dystrophy type 2J; Early-onset myopathy with fatal cardiomyopathy; Hypertrophic cardiomyopathy 9. Last evaluated: 2021-07-02. Review status: criteria provided, single submitter. Criteria: ACMG Guidelines, 2015. Collection method: clinical testing. Allele origin: unknown.

GeneDx
Classification: Uncertain significance. Last evaluated: 2020-06-02. Review status: criteria provided, single submitter. Criteria: GeneDx Variant Classification Process June 2021. Collection method: clinical testing. Allele origin: germline. Affected: yes.
Comment: Not observed at a significant frequency in large population cohorts (Lek et al., 2016); Missense variant in a gene in which most reported pathogenic variants are truncating/loss-of-function; Has not been previously published as pathogenic or benign to our knowledge

Eurofins Ntd Llc (ga)
Classification: Uncertain significance. Last evaluated: 2018-08-29. Review status: criteria provided, single submitter. Criteria: EGL ClinVar v180209 classification definitions. Collection method: clinical testing. Allele origin: germline. Observed: 1 variant allele, 1 heterozygote.